The following is an entry in ClinVar:

ClinVar aggregate classification (germline): Benign (0 of 4 stars; one submission).

Conditions:
PDE3A-related disorder. Also called: PDE3A-related condition.

Allele frequency attached by ClinVar (database versions not stated): gnomAD exomes 0.00162; ESP Exome Variant Server 0.01452; gnomAD 0.01735; TOPMed 0.01952; ExAC 0.02031; 1000 Genomes Project 0.02296; 1000 Genomes Project 30x 0.02452.
gnomAD v4.1: 4,935 of 1,508,492 alleles (0.33%); highest among the groups gnomAD compares: African/African-American, 6.1%; 144 homozygotes.

Submission:

PreventionGenetics, part of Exact Sciences
Classification: Benign for PDE3A-related condition. Last evaluated: 2019-06-07. Review status: no assertion criteria provided. Collection method: clinical testing. Allele origin: germline.
Comment: This variant is classified as benign based on ACMG/AMP sequence variant interpretation guidelines (Richards et al. 2015 PMID: 25741868, with internal and published modifications).

NM_000921.5(PDE3A):c.-6T>G

Genes: PDE3A (phosphodiesterase 3A; plus strand), PDE3A-AS1 (PDE3A antisense RNA 1; minus strand). Cytogenetic location: 12p12.2.
Variant type: single nucleotide variant.
Coding change: c.-6T>G on transcript NM_000921.5 (MANE Select); 6 bases upstream of the start codon, T replaced by G.
Molecular consequence: 5 prime UTR variant.
Genome position (GRCh38, 1-based): chr12:20,369,279, T>G. VCF-style: chr12-20369279-T-G. GRCh37 (hg19) VCF-style: chr12-20522213-T-G.
Other names: c.-6T>G (NM_001378407.1); c.-1034T>G (NM_001378408.1).
Identifiers: ClinVar variation 3037518 (VCV003037518.2), dbSNP rs113972487, ClinGen allele CA6473334.